The following is an entry in ClinVar:

ClinVar aggregate classification (germline): Pathogenic/Likely pathogenic. Review status: criteria provided, multiple submitters, no conflicts (2 of 4 stars). 2 submissions from 2 submitters: Pathogenic (1); Likely pathogenic (1). Last evaluated 2016-02-03.

Conditions:
Hereditary cancer-predisposing syndrome. Also called: Tumor predisposition; Hereditary Cancer Syndrome; Hereditary neoplastic syndrome; Neoplastic Syndromes, Hereditary. Identifiers: Orphanet 140162, MedGen C0027672, MeSH D009386, MONDO:0015356.
Von Hippel-Lindau syndrome (VHLS). Also called: VHL syndrome; Von Hippel-Lindau; von Hippel–Lindau syndrome. Identifiers: Orphanet 892, MedGen C0019562, MONDO:0008667, OMIM 193300. Disease mechanism: loss of function.

Submissions (2):

Women's Health and Genetics/Laboratory Corporation of America, LabCorp
Classification: Likely pathogenic for Von Hippel-Lindau syndrome. Last evaluated: 2016-02-03. Review status: criteria provided, single submitter. Criteria: LabCorp Variant Classification Summary - May 2015. Collection method: clinical testing. Allele origin: germline.
Comment: Variant summary: This c.192delC variant causes a frameshift, which alters the proteins amino acid sequence beginning at position 65 and leads to a premature termination codon one amino acid downstream. It is predicted to cause a truncated or absent protein product. Mutation taster predicts this variant to be disease-causing. The variant was not observed in the large and broad cohorts of the ExAC project or ESP. The variant of interest has been detected in RCC tumor samples (Shuin_1994 and Suzuki_1997). Truncations downstream of this position have been classified as disease variants by our laboratory (Such as c.214delT and C.230delG). One clinical lab (via ClinVar) classified this variant as pathogenic. Considering all, this variant has been classified as Likely Pathogenic until additional information becomes available.

GeneDx
Classification: Pathogenic for Neoplastic Syndromes, Hereditary. Last evaluated: 2014-06-25. Review status: criteria provided, single submitter. Criteria: GeneDx Variant Classification (06012015). Collection method: clinical testing. Allele origin: germline. Affected: yes.
Comment: The c.192delC mutation in the VHL gene has been reported previously in association with von Hippel-Lindau Syndrome (Suzuki et al., 1997; Shuin et al., 1994). The deletion causes a frameshift starting with codon Serine 65, changes this amino acid to an Arginine residue and creates a premature Stop codon at position 2 of the new reading frame, denoted p.Ser65ArgfsX2. This mutation is predicted to cause loss of normal protein function either through protein truncation or nonsense-mediated mRNA decay This mutation may also be referred to as p.S136RfsX2 in the literature due to alternative numbering. The variant is found in VHL panel(s).

Literature cited by the submitters: PubMed 20151405 (cited by Women's Health and Genetics/Laboratory Corporation of America, LabCorp); PubMed 8187067 (cited by Women's Health and Genetics/Laboratory Corporation of America, LabCorp); PubMed 9143408 (cited by Women's Health and Genetics/Laboratory Corporation of America, LabCorp).

NM_000551.4(VHL):c.192del (p.Ser65fs)

Gene: VHL (von Hippel-Lindau tumor suppressor; plus strand). Cytogenetic location: 3p25.3.
Variant type: Deletion.
Coding change: c.192del on transcript NM_000551.4 (MANE Select); coding-DNA position 192, one base deleted (C; older notation c.192delC).
Protein change: p.Ser65fs; shifts the reading frame from serine 65.
Molecular consequence: frameshift variant.
Genome position (GRCh38, 1-based): chr3:10,142,039, C deleted. VCF-style (leftmost placement, unchanged base first): chr3-10142038-GC-G. GRCh37 (hg19) VCF-style: chr3-10183722-GC-G.
Other names: c.192delC (NM_000551.3); c.192del, p.Ser65fs (NM_001354723.2, NM_198156.3); short protein forms S65fs.
Identifiers: ClinVar variation 182972 (VCV000182972.1), dbSNP rs730882031, ClinGen allele CA020094.